The following is an entry in ClinVar:

ClinVar aggregate classification (germline): Uncertain significance (1 of 4 stars; one submission).

gnomAD v4.1: 1 of 1,614,056 alleles (0.000062%); highest among the groups gnomAD compares: Non-Finnish European, 0.000085%; no homozygotes.

Submission:

GeneDx
Classification: Uncertain significance. Last evaluated: 2025-06-11. Review status: criteria provided, single submitter. Criteria: GeneDx Variant Classification Process June 2021. Collection method: clinical testing. Allele origin: germline. Affected: yes.
Comment: Not observed at significant frequency in large population cohorts (gnomAD); In silico analysis suggests that this missense variant does not alter protein structure/function; Has not been previously published as pathogenic or benign to our knowledge

NM_006593.4(TBR1):c.439G>A (p.Ala147Thr)

Gene: TBR1 (T-box brain transcription factor 1; plus strand). Cytogenetic location: 2q24.2.
Variant type: single nucleotide variant.
Coding change: c.439G>A on transcript NM_006593.4 (MANE Select); coding-DNA position 439, G replaced by A.
Protein change: p.Ala147Thr; replaces alanine 147 with threonine.
Molecular consequence: missense variant.
Genome position (GRCh38, 1-based): chr2:161,416,849, G>A. VCF-style: chr2-161416849-G-A. GRCh37 (hg19) VCF-style: chr2-162273360-G-A.
Other names: short protein forms A147T.
Identifiers: ClinVar variation 4537859 (VCV004537859.1).